The following is an entry in ClinVar:

NM_198253.3(TERT):c.2583G>A (p.Gly861=)

Gene: TERT (telomerase reverse transcriptase; minus strand). Cytogenetic location: 5p15.33.
Variant type: single nucleotide variant.
Coding change: c.2583G>A on transcript NM_198253.3 (MANE Select); coding-DNA position 2583, G replaced by A.
Protein change: p.Gly861=; no amino-acid change (glycine 861 retained).
Molecular consequence: synonymous variant. On other transcripts: non-coding transcript variant (2).
Genome position (GRCh38, 1-based): chr5:1,266,535, C>T on the plus strand (G>A on the coding strand, the complement: TERT is on the minus strand). VCF-style: chr5-1266535-C-T. GRCh37 (hg19) VCF-style: chr5-1266650-C-T.
Other names: c.2583G>A, p.Gly861= (NM_003219.1, NM_001193376.3).
Identifiers: ClinVar variation 2137302 (VCV002137302.4), dbSNP rs2478166481, ClinGen allele CA359073368.

ClinVar aggregate classification (germline): Uncertain significance (1 of 4 stars; one submission).

Conditions:
Dyskeratosis congenita, autosomal dominant 2. Identifiers: MedGen C3151443, MONDO:0013521, OMIM 613989.
Idiopathic Pulmonary Fibrosis. Also called: Idiopathic fibrosing alveolitis, chronic form; idiopathic fibrosing alveolitis. Identifiers: Orphanet 2032, MedGen C1800706, MeSH D054990, MONDO:0800504.

gnomAD v4.1: 1 of 1,607,504 alleles (0.000062%); highest among the groups gnomAD compares: Non-Finnish European, 0.000085%; no homozygotes.

Submission:

Labcorp Genetics (formerly Invitae), Labcorp
Classification: Uncertain significance for Dyskeratosis congenita, autosomal dominant 2; Idiopathic Pulmonary Fibrosis. Last evaluated: 2025-03-10. Review status: criteria provided, single submitter. Criteria: Invitae Variant Classification Sherloc (09022015). Collection method: clinical testing. Allele origin: germline.
Comment: This sequence change affects codon 861 of the TERT mRNA. It is a 'silent' change, meaning that it does not change the encoded amino acid sequence of the TERT protein. It affects a nucleotide within the consensus splice site. This variant is not present in population databases (gnomAD no frequency). This variant has not been reported in the literature in individuals affected with TERT-related conditions. ClinVar contains an entry for this variant (Variation ID: 2137302). Algorithms developed to predict the effect of sequence changes on RNA splicing suggest that this variant is not likely to affect RNA splicing. In summary, the available evidence is currently insufficient to determine the role of this variant in disease. Therefore, it has been classified as a Variant of Uncertain Significance.